The following is an entry in ClinVar:

ClinVar aggregate classification (germline): Uncertain significance (1 of 4 stars; one submission).

Conditions:
Ellis-van Creveld syndrome (EVC). Also called: EVC-Related Ellis-van Creveld Syndrome; EVC2-Related Ellis-van Creveld Syndrome; MESOECTODERMAL DYSPLASIA; Chondroectodermal dysplasia. Identifiers: Orphanet 289, MedGen C0013903, MONDO:0009162, OMIM 225500.
Curry-Hall syndrome (WAD). Also called: WEYERS ACRODENTAL DYSOSTOSIS. Identifiers: Orphanet 952, MedGen C0457013, MONDO:0008673, OMIM 193530.

gnomAD v4.1: 1 of 1,614,196 alleles (0.000062%); highest among the groups gnomAD compares: Non-Finnish European, 0.000085%; no homozygotes.

Submission:

Labcorp Genetics (formerly Invitae), Labcorp
Classification: Uncertain significance for Curry-Hall syndrome; Ellis-van Creveld syndrome. Last evaluated: 2025-05-15. Review status: criteria provided, single submitter. Criteria: Invitae Variant Classification Sherloc (09022015). Collection method: clinical testing. Allele origin: germline.
Comment: This sequence change replaces asparagine, which is neutral and polar, with aspartic acid, which is acidic and polar, at codon 255 of the EVC2 protein (p.Asn255Asp). This variant is not present in population databases (gnomAD no frequency). This variant has not been reported in the literature in individuals affected with EVC2-related conditions. An algorithm developed to predict the effect of missense changes on protein structure and function outputs the following: PolyPhen-2: "Benign". The aspartic acid amino acid residue is found in multiple mammalian species, which suggests that this missense change does not adversely affect protein function. In summary, the available evidence is currently insufficient to determine the role of this variant in disease. Therefore, it has been classified as a Variant of Uncertain Significance.

NM_147127.5(EVC2):c.763A>G (p.Asn255Asp)

Gene: EVC2 (EvC ciliary complex subunit 2; minus strand). Cytogenetic location: 4p16.2.
Variant type: single nucleotide variant.
Coding change: c.763A>G on transcript NM_147127.5 (MANE Select); coding-DNA position 763, A replaced by G.
Protein change: p.Asn255Asp; replaces asparagine 255 with aspartic acid.
Molecular consequence: missense variant.
Genome position (GRCh38, 1-based): chr4:5,685,423, T>C on the plus strand (A>G on the coding strand, the complement: EVC2 is on the minus strand). VCF-style: chr4-5685423-T-C. GRCh37 (hg19) VCF-style: chr4-5687150-T-C.
Other names: c.523A>G, p.Asn175Asp (NM_001166136.2); short protein forms N175D, N255D.
Identifiers: ClinVar variation 4786377 (VCV004786377.1).
Genomic context (GRCh38, chr4:5,685,423, plus strand): 5'-GTCATACCCGTGACGAGCTCTGAAAGGTGAGTTGGGCAGGAAGCTTGAGGCTCTCCCCGT[T>C]CCCGAGGTCTCCAGCCTGGAGCGTGGCTGCGTAGCTGACAGCAAAGGCATCTCCCACTGC-3'
Protein context (NP_667338.3, residues 245-265): AATLQAGDLG[Asn255Asp]GESLKLPAQL